The following is an entry in ClinVar:

NM_021831.6(AGBL5):c.2083G>A (p.Val695Ile)

Gene: AGBL5 (AGBL carboxypeptidase 5; plus strand). Cytogenetic location: 2p23.3.
Variant type: single nucleotide variant.
Coding change: c.2083G>A on transcript NM_021831.6 (MANE Select); coding-DNA position 2083, G replaced by A.
Protein change: p.Val695Ile; replaces valine 695 with isoleucine.
Molecular consequence: missense variant. On other transcripts: non-coding transcript variant (2).
Genome position (GRCh38, 1-based): chr2:27,059,398, G>A. VCF-style: chr2-27059398-G-A. GRCh37 (hg19) VCF-style: chr2-27282266-G-A.
Other names: c.2083G>A, p.Val695Ile (NM_001035507.3); short protein forms V695I.
Identifiers: ClinVar variation 715473 (VCV000715473.27), dbSNP rs142943047, ClinGen allele CA1568058.

ClinVar aggregate classification (germline): Benign/Likely benign. Review status: criteria provided, multiple submitters, no conflicts (2 of 4 stars). 4 submissions from 4 submitters: Benign (2); Likely benign (1). 1 of the submissions does not count toward it. Last evaluated 2026-09-01.

Conditions:
AGBL5-related disorder. Also called: AGBL5-related condition.

Allele frequency attached by ClinVar (database versions not stated): TOPMed 0.00284; 1000 Genomes Project 0.00300; 1000 Genomes Project 30x 0.00328; ESP Exome Variant Server 0.00415; gnomAD 0.00453 and 0.00463; gnomAD exomes 0.00568 and 0.00620; ExAC 0.00682.

Submissions (4):

CeGaT Center for Human Genetics Tuebingen
Classification: Likely benign. Last evaluated: 2026-09-01. Review status: criteria provided, single submitter. Criteria: CeGaT Center For Human Genetics Tuebingen Variant Classification Criteria Version 2. Collection method: clinical testing. Allele origin: germline. Affected: yes. Observed: 6 variant alleles.
Comment: AGBL5: BP4, BS2

Labcorp Genetics (formerly Invitae), Labcorp
Classification: Benign. Last evaluated: 2026-02-01. Review status: criteria provided, single submitter. Criteria: Invitae Variant Classification Sherloc (09022015). Collection method: clinical testing. Allele origin: germline.

Breakthrough Genomics
Classification: Benign. Review status: criteria provided, single submitter. Criteria: ACMG Guidelines, 2015. Collection method: not provided. Allele origin: germline. Inheritance: Autosomal recessive inheritance. Affected: yes.

PreventionGenetics, part of Exact Sciences
Classification: Benign for AGBL5-related condition. Last evaluated: 2019-08-01. Review status: no assertion criteria provided. Collection method: clinical testing. Allele origin: germline. Not counted in ClinVar's aggregate classification.
Comment: This variant is classified as benign based on ACMG/AMP sequence variant interpretation guidelines (Richards et al. 2015 PMID: 25741868, with internal and published modifications).